The following is an entry in ClinVar:

ClinVar aggregate classification (germline): Uncertain significance. Review status: criteria provided, multiple submitters, no conflicts (2 of 4 stars). 2 submissions from 2 submitters: Uncertain significance (2). Last evaluated 2025-02-18.

Conditions:
Combined oxidative phosphorylation deficiency 44. Also called: FASTKD2-Related Combined Oxidative Phosphorylation Deficiency. Identifiers: MedGen C5394293, MONDO:0030020, OMIM 618855.

gnomAD v4.1: 7 of 1,609,584 alleles (0.00043%); highest among the groups gnomAD compares: African/African-American, 0.008%; no homozygotes.

Submissions (2):

GeneDx
Classification: Uncertain significance. Last evaluated: 2025-02-18. Review status: criteria provided, single submitter. Criteria: GeneDx Variant Classification Process June 2021. Collection method: clinical testing. Allele origin: germline. Affected: yes.
Comment: Not observed at significant frequency in large population cohorts (gnomAD); In silico analysis indicates that this missense variant does not alter protein structure/function; Has not been previously published as pathogenic or benign to our knowledge

Fulgent Genetics
Classification: Uncertain significance for Combined oxidative phosphorylation deficiency 44. Last evaluated: 2024-01-13. Review status: criteria provided, single submitter. Criteria: ACMG Guidelines, 2015. Collection method: clinical testing. Allele origin: germline.

NM_001136193.2(FASTKD2):c.1577G>A (p.Ser526Asn)

Gene: FASTKD2 (FAST kinase domains 2; plus strand). Cytogenetic location: 2q33.3.
Variant type: single nucleotide variant.
Coding change: c.1577G>A on transcript NM_001136193.2 (MANE Select); coding-DNA position 1577, G replaced by A.
Protein change: p.Ser526Asn; replaces serine 526 with asparagine.
Molecular consequence: missense variant.
Genome position (GRCh38, 1-based): chr2:206,786,882, G>A. VCF-style: chr2-206786882-G-A. GRCh37 (hg19) VCF-style: chr2-207651606-G-A.
Other names: c.1577G>A, p.Ser526Asn (NM_001136194.2, NM_014929.4); short protein forms S526N.
Identifiers: ClinVar variation 3373296 (VCV003373296.3).